The following is an entry in ClinVar:

NM_000038.6(APC):c.6725G>C (p.Ser2242Thr)

Gene: APC (APC regulator of Wnt signaling pathway; plus strand). Cytogenetic location: 5q22.2.
Variant type: single nucleotide variant.
Coding change: c.6725G>C on transcript NM_000038.6 (MANE Select); coding-DNA position 6725, G replaced by C.
Protein change: p.Ser2242Thr; replaces serine 2242 with threonine.
Molecular consequence: missense variant. On other transcripts: non-coding transcript variant (2).
Genome position (GRCh38, 1-based): chr5:112,842,319, G>C. VCF-style: chr5-112842319-G-C. GRCh37 (hg19) VCF-style: chr5-112178016-G-C.
Other names: c.6338G>C, p.Ser2113Thr (NM_001407467.1, NM_001407469.1); c.6422G>C, p.Ser2141Thr (NM_001407460.1, NM_001354903.2, NM_001407458.1 and 1 more transcripts); c.5876G>C, p.Ser1959Thr (NM_001407470.1, NM_001354906.2); c.6725G>C, p.Ser2242Thr (NM_001127510.3, NM_001354895.2, NM_001407450.1); c.6671G>C, p.Ser2224Thr (NM_001127511.3); c.6779G>C, p.Ser2260Thr (NM_001354896.2, NM_001407447.1, NM_001407448.1 and 1 more transcripts); c.6755G>C, p.Ser2252Thr (NM_001354897.2); c.6650G>C, p.Ser2217Thr (NM_001354898.2); and 11 more; short protein forms S1959T, S2151T, S2183T, S2201T, S2214T, S2252T, S2260T, S2159T.
Identifiers: ClinVar variation 3929583 (VCV003929583.1).

ClinVar aggregate classification (germline): Uncertain significance (1 of 4 stars; one submission).

Conditions:
Hereditary cancer-predisposing syndrome. Also called: Hereditary Cancer Syndrome; Hereditary neoplastic syndrome; Neoplastic Syndromes, Hereditary; Tumor predisposition. Identifiers: Orphanet 140162, MedGen C0027672, MeSH D009386, MONDO:0015356.

gnomAD v4.1: 1 of 1,613,652 alleles (0.000062%); highest among the groups gnomAD compares: East Asian, 0.0022%; no homozygotes.

Submission:

Ambry Genetics
Classification: Uncertain significance for Hereditary cancer-predisposing syndrome. Last evaluated: 2025-05-22. Review status: criteria provided, single submitter. Criteria: Ambry Variant Classification Scheme 2023. Collection method: clinical testing. Allele origin: germline.
Comment: The p.S2242T variant (also known as c.6725G>C), located in coding exon 15 of the APC gene, results from a G to C substitution at nucleotide position 6725. The serine at codon 2242 is replaced by threonine, an amino acid with similar properties. This amino acid position is conserved. In addition, in silico predictors for this gene do not accurately predict pathogenicity. Based on the available evidence, the clinical significance of this variant remains unclear.